The following is an entry in ClinVar:

NM_000038.6(APC):c.2496C>G (p.Pro832=)

Gene: APC (APC regulator of Wnt signaling pathway; plus strand). Cytogenetic location: 5q22.2.
Variant type: single nucleotide variant.
Coding change: c.2496C>G on transcript NM_000038.6 (MANE Select); coding-DNA position 2496, C replaced by G.
Protein change: p.Pro832=; no amino-acid change (proline 832 retained).
Molecular consequence: synonymous variant. On other transcripts: non-coding transcript variant (2).
Genome position (GRCh38, 1-based): chr5:112,838,090, C>G. VCF-style: chr5-112838090-C-G. GRCh37 (hg19) VCF-style: chr5-112173787-C-G.
Other names: c.2496C>G, p.Pro832= (NM_001127510.3, NM_001354895.2, NM_001407450.1); c.2442C>G, p.Pro814= (NM_001127511.3); c.2550C>G, p.Pro850= (NM_001354896.2, NM_001407447.1, NM_001407448.1 and 1 more transcripts); c.2526C>G, p.Pro842= (NM_001354897.2); c.2421C>G, p.Pro807= (NM_001354898.2); c.2412C>G, p.Pro804= (NM_001354899.2); c.2373C>G, p.Pro791= (NM_001354900.2); c.2319C>G, p.Pro773= (NM_001354901.2, NM_001407453.1); and 11 more.
Identifiers: ClinVar variation 3148471 (VCV003148471.1), dbSNP rs2149870996, ClinGen allele CA445962799.

ClinVar aggregate classification (germline): Benign (1 of 4 stars; one submission).

Conditions:
Familial adenomatous polyposis 1 (FAP1). Also called: POLYPOSIS, ADENOMATOUS INTESTINAL; FAMILIAL ADENOMATOUS POLYPOSIS 1, ATTENUATED. Identifiers: MedGen C2713442, MONDO:0021056, OMIM 175100. Disease mechanism: loss of function.

Submission:

Myriad Genetics, Inc.
Classification: Benign for Familial adenomatous polyposis 1. Last evaluated: 2024-03-14. Review status: criteria provided, single submitter. Criteria: Myriad Autosomal Dominant, Autosomal Recessive and X-Linked Classification Criteria (2023). Collection method: clinical testing. Allele origin: unknown.
Comment: This variant is considered benign. This variant is a silent/synonymous amino acid change and it is not expected to impact splicing.